The following is an entry in ClinVar:

NM_173076.3(ABCA12):c.6919A>G (p.Ile2307Val)

Genes: ABCA12 (ATP binding cassette subfamily A member 12; minus strand), SNHG31 (small nucleolar RNA host gene 31; plus strand). Cytogenetic location: 2q35.
Variant type: single nucleotide variant.
Coding change: c.6919A>G on transcript NM_173076.3 (MANE Select); coding-DNA position 6919, A replaced by G.
Protein change: p.Ile2307Val; replaces isoleucine 2307 with valine.
Molecular consequence: missense variant. On other transcripts: non-coding transcript variant (1).
Genome position (GRCh38, 1-based): chr2:214,949,083, T>C on the plus strand (A>G on the coding strand, the complement: ABCA12 is on the minus strand). VCF-style: chr2-214949083-T-C. GRCh37 (hg19) VCF-style: chr2-215813807-T-C.
Other names: c.5965A>G, p.Ile1989Val (NM_015657.4); short protein forms I2307V, I1989V.
Identifiers: ClinVar variation 775183 (VCV000775183.17), dbSNP rs150196545, ClinGen allele CA2090798.
Genomic context (GRCh38, chr2:214,949,083, plus strand): 5'-GCATTAGTTTTTCATACCCGGTCTTATTTCTGATCAGAATGTTTCCACTTGAAGGAATGA[T>C]GTCTCCTGTCAGCATCTTGAATATAGTGGTCTTTCCTGCTCCATTCACTCCAAGAAGCCC-3'
Protein context (NP_775099.2, residues 2297-2317): TTIFKMLTGD[Ile2307Val]IPSSGNILIR

ClinVar aggregate classification (germline): Conflicting classifications of pathogenicity. Review status: criteria provided, conflicting classifications (1 of 4 stars). 5 submissions from 5 submitters: Uncertain significance (1); Likely benign (2). 2 of the submissions do not count toward it. Last evaluated 2026-01-28.

Conditions:
ABCA12-related disorder. Also called: ABCA12-related condition.
Congenital ichthyosis of skin. Identifiers: MedGen C0020758.

Allele frequency attached by ClinVar (database versions not stated): 1000 Genomes Project 30x 0.00047; 1000 Genomes Project 0.00060; gnomAD 0.00105; ESP Exome Variant Server 0.00138; TOPMed 0.00174.
gnomAD v4.1: 3,569 of 1,613,958 alleles (0.22%); highest among the groups gnomAD compares: Middle Eastern, 0.38%; 8 homozygotes.

Submissions (5):

Labcorp Genetics (formerly Invitae), Labcorp
Classification: Likely benign. Last evaluated: 2026-01-28. Review status: criteria provided, single submitter. Criteria: Invitae Variant Classification Sherloc (09022015). Collection method: clinical testing. Allele origin: germline.

Women's Health and Genetics/Laboratory Corporation of America, LabCorp
Classification: Likely benign. Last evaluated: 2025-10-13. Review status: criteria provided, single submitter. Criteria: LabCorp Variant Classification Summary - May 2015. Collection method: clinical testing. Allele origin: germline.
Comment: Variant summary: ABCA12 c.6919A>G (p.Ile2307Val) results in a conservative amino acid change in the encoded protein sequence. Algorithms developed to predict the effect of missense changes on protein structure and function are either unavailable or do not agree on the potential impact of this missense change. The variant allele was found at a frequency of 0.0018 in 251950 control chromosomes, predominantly at a frequency of 0.0023 within the Non-Finnish European subpopulation in the gnomAD database. The observed variant frequency within Non-Finnish European control individuals in the gnomAD database exceeds the estimated maximal expected allele frequency for disease-causing variants in ABCA12. To our knowledge, no occurrence of c.6919A>G in individuals affected with ABCA12-related conditions and no experimental evidence demonstrating its impact on protein function have been reported. ClinVar contains an entry for this variant (Variation ID: 775183). Based on the evidence outlined above, the variant was classified as likely benign.

Illumina Laboratory Services, Illumina
Classification: Uncertain significance for Congenital ichthyosis of skin. Last evaluated: 2017-04-27. Review status: criteria provided, single submitter. Criteria: ICSL Variant Classification Criteria 13 December 2019. Collection method: clinical testing. Allele origin: germline.

PreventionGenetics, part of Exact Sciences
Classification: Likely benign for ABCA12-related condition. Last evaluated: 2020-12-09. Review status: no assertion criteria provided. Collection method: clinical testing. Allele origin: germline. Not counted in ClinVar's aggregate classification.
Comment: This variant is classified as likely benign based on ACMG/AMP sequence variant interpretation guidelines (Richards et al. 2015 PMID: 25741868, with internal and published modifications).

Department of Pathology and Laboratory Medicine, Sinai Health System
Classification: Uncertain significance. Review status: no assertion criteria provided. Collection method: clinical testing. Allele origin: unknown. Affected: yes. Study: The Canadian Open Genetics Repository (COGR). Not counted in ClinVar's aggregate classification.
Comment: The ABCA12 p.Ile2307Val variant was not identified in the literature but was identified in dbSNP (ID: rs150196545), LOVD 3.0 and ClinVar (classified as likely benign by Invitae). The variant was identified in control databases in 489 of 282736 chromosomes (1 homozygous) at a frequency of 0.00173 increasing the likelihood this could be a low frequency benign variant (Genome Aggregation Database March 6, 2019, v2.1.1). The variant was observed in the following populations: Ashkenazi Jewish in 55 of 10366 chromosomes (freq: 0.005306), Other in 25 of 7220 chromosomes (freq: 0.003463), European (non-Finnish) in 289 of 129080 chromosomes (freq: 0.002239), Latino in 66 of 35438 chromosomes (freq: 0.001862), South Asian in 38 of 30614 chromosomes (freq: 0.001241), African in 9 of 24970 chromosomes (freq: 0.00036) and European (Finnish) in 7 of 25104 chromosomes (freq: 0.000279), but was not observed in the East Asian population. The p.Ile2307 residue is conserved in mammals and computational analyses (PolyPhen-2, SIFT, AlignGVGD, BLOSUM, MutationTaster) provide inconsistent predictions regarding the impact to the protein; this information is not very predictive of pathogenicity. The variant occurs outside of the splicing consensus sequence and in silico or computational prediction software programs (SpliceSiteFinder, MaxEntScan, NNSPLICE, GeneSplicer) do not predict a difference in splicing. In summary, based on the above information the clinical significance of this variant cannot be determined with certainty at this time. This variant is classified as a variant of uncertain significance.

Literature cited by the submitters: PubMed 38791074 (cited by Women's Health and Genetics/Laboratory Corporation of America, LabCorp).